The following is an entry in ClinVar:

ClinVar aggregate classification (germline): Uncertain significance (1 of 4 stars; one submission).

Allele frequency attached by ClinVar (database versions not stated): TOPMed below 0.00001.

Submission:

GeneDx
Classification: Uncertain significance. Last evaluated: 2016-12-05. Review status: criteria provided, single submitter. Criteria: GeneDx Variant Classification (06012015). Collection method: clinical testing. Allele origin: germline. Affected: yes.
Comment: This variant is denoted MAX c.-46C>T and describes a nucleotide substitution 46 base pairs upstream of the ATG translational start site in the 5' untranslated region (UTR). This variant has not, to our knowledge, been published in the literature as pathogenic or benign. MAX c.-46C>T occurs at a position that is conserved across species. This variant was not observed in approximately 6,500 individuals of European and African American ancestry in the NHLBI Exome Sequencing Project, suggesting it is not a common benign variant in these populations. Based on currently available information, it is unclear whether MAX c.-46C>T is pathogenic or benign. We consider it to be a variant of uncertain significance.

NM_002382.5(MAX):c.-46C>T

Genes: MAX (MYC associated factor X; minus strand), LOC130055850 (ATAC-STARR-seq lymphoblastoid silent region 5847; plus strand). Cytogenetic location: 14q23.3.
Variant type: single nucleotide variant.
Coding change: c.-46C>T on transcript NM_002382.5 (MANE Select); 46 bases upstream of the start codon, C replaced by T.
Molecular consequence: 5 prime UTR variant.
Genome position (GRCh38, 1-based): chr14:65,102,385, G>A on the plus strand (C>T on the coding strand, the complement: MAX is on the minus strand). VCF-style: chr14-65102385-G-A. GRCh37 (hg19) VCF-style: chr14-65569103-G-A.
Other names: c.-46C>T (NM_001271068.2, NM_001271069.2, NM_145112.3 and 3 more transcripts); c.-320C>T (NM_001320415.2).
Identifiers: ClinVar variation 422821 (VCV000422821.2), dbSNP rs1064796022, ClinGen allele CA16619882.